The following is an entry in ClinVar:

NM_000038.6(APC):c.1940C>G (p.Ala647Gly)

Gene: APC (APC regulator of Wnt signaling pathway; plus strand). Cytogenetic location: 5q22.2.
Variant type: single nucleotide variant.
Coding change: c.1940C>G on transcript NM_000038.6 (MANE Select); coding-DNA position 1940, C replaced by G.
Protein change: p.Ala647Gly; replaces alanine 647 with glycine.
Molecular consequence: missense variant.
Genome position (GRCh38, 1-based): chr5:112,835,147, C>G. VCF-style: chr5-112835147-C-G. GRCh37 (hg19) VCF-style: chr5-112170844-C-G.
Other names: c.1940C>G, p.Ala647Gly (NM_001127510.3, NM_001354895.2, NM_001407450.1); c.1886C>G, p.Ala629Gly (NM_001127511.3); c.1994C>G, p.Ala665Gly (NM_001354896.2, NM_001407447.1, NM_001407448.1 and 1 more transcripts); c.1970C>G, p.Ala657Gly (NM_001354897.2); c.1865C>G, p.Ala622Gly (NM_001354898.2); c.1856C>G, p.Ala619Gly (NM_001354899.2); c.1817C>G, p.Ala606Gly (NM_001354900.2); c.1763C>G, p.Ala588Gly (NM_001354901.2, NM_001407453.1); and 11 more; short protein forms A263G, A518G, A556G, A588G, A619G, A665G, A675G, A364G.
Identifiers: ClinVar variation 1783048 (VCV001783048.3), dbSNP rs2149844262, ClinGen allele CA16025556.

ClinVar aggregate classification (germline): Uncertain significance (1 of 4 stars; one submission).

Conditions:
Hereditary cancer-predisposing syndrome. Also called: Neoplastic Syndromes, Hereditary; Tumor predisposition; Hereditary Cancer Syndrome; Hereditary neoplastic syndrome. Identifiers: Orphanet 140162, MedGen C0027672, MeSH D009386, MONDO:0015356.

Submission:

Ambry Genetics
Classification: Uncertain significance for Hereditary cancer-predisposing syndrome. Last evaluated: 2022-08-13. Review status: criteria provided, single submitter. Criteria: Ambry Variant Classification Scheme 2023. Collection method: clinical testing. Allele origin: germline.
Comment: The p.A647G variant (also known as c.1940C>G), located in coding exon 14 of the APC gene, results from a C to G substitution at nucleotide position 1940. The alanine at codon 647 is replaced by glycine, an amino acid with similar properties. This amino acid position is conserved. In addition, in silico predictors for this gene do not accurately predict pathogenicity. RNA studies have demonstrated that this alteration results in an incomplete splice defect involving exons excluded from naturally occurring transcripts; the clinical impact of this abnormal splicing is unknown at this time (Ambry internal data). Since supporting evidence is limited at this time, the clinical significance of this alteration remains unclear.